The following is an entry in ClinVar:

ClinVar aggregate classification (germline): Likely pathogenic (1 of 4 stars; one submission).

Conditions:
Meckel-Gruber syndrome. Also called: GRUBER SYNDROME; DYSENCEPHALIA SPLANCHNOCYSTICA; Dysencephalia splachnocystica. Identifiers: Orphanet 564, MedGen C0265215, MONDO:0018921.
Joubert syndrome. Also called: Familial aplasia of the vermis; JOUBERT-BOLTSHAUSER SYNDROME; CEREBELLOPARENCHYMAL DISORDER IV. Identifiers: Orphanet 475, MedGen C5979921, MONDO:0018772.

Submission:

Labcorp Genetics (formerly Invitae), Labcorp
Classification: Likely pathogenic for Joubert syndrome; Meckel-Gruber syndrome. Last evaluated: 2025-02-09. Review status: criteria provided, single submitter. Criteria: Invitae Variant Classification Sherloc (09022015). Collection method: clinical testing. Allele origin: germline.
Comment: This sequence change affects a donor splice site in intron 2 of the MKS1 gene. It is expected to disrupt RNA splicing. Variants that disrupt the donor or acceptor splice site typically lead to a loss of protein function (PMID: 16199547), and loss-of-function variants in MKS1 are known to be pathogenic (PMID: 19466712, 24886560, 26490104). This variant is not present in population databases (gnomAD no frequency). This variant has not been reported in the literature in individuals affected with MKS1-related conditions. Algorithms developed to predict the effect of sequence changes on RNA splicing suggest that this variant may disrupt the consensus splice site. In summary, the currently available evidence indicates that the variant is pathogenic, but additional data are needed to prove that conclusively. Therefore, this variant has been classified as Likely Pathogenic.

Literature cited by the submitters: PubMed 16199547; PubMed 19466712; PubMed 24886560; PubMed 26490104.

NM_017777.4(MKS1):c.190+1G>C

Gene: MKS1 (MKS transition zone complex subunit 1; minus strand). Cytogenetic location: 17q22.
Variant type: single nucleotide variant.
Coding change: c.190+1G>C on transcript NM_017777.4 (MANE Select); the canonical splice donor site of the intron after coding-DNA position 190, G replaced by C.
Molecular consequence: splice donor variant.
Genome position (GRCh38, 1-based): chr17:58,218,619, C>G on the plus strand (G>C on the coding strand, the complement: MKS1 is on the minus strand). VCF-style: chr17-58218619-C-G. GRCh37 (hg19) VCF-style: chr17-56295980-C-G.
Other names: c.-322+1G>C (NM_001321268.2); c.190+1G>C (NM_001330397.2, NM_001321269.2, NM_001411113.1).
Identifiers: ClinVar variation 4787790 (VCV004787790.1).